The following is an entry in ClinVar:

NM_001127208.3(TET2):c.2227C>A (p.Gln743Lys)

Genes: TET2 (tet methylcytosine dioxygenase 2; plus strand), TET2-AS1 (TET2 antisense RNA 1; minus strand). Cytogenetic location: 4q24.
Variant type: single nucleotide variant.
Coding change: c.2227C>A on transcript NM_001127208.3 (MANE Select); coding-DNA position 2227, C replaced by A.
Protein change: p.Gln743Lys; replaces glutamine 743 with lysine.
Molecular consequence: missense variant.
Genome position (GRCh38, 1-based): chr4:105,236,169, C>A. VCF-style: chr4-105236169-C-A. GRCh37 (hg19) VCF-style: chr4-106157326-C-A.
Other names: c.2227C>A, p.Gln743Lys (NM_017628.4); short protein forms Q743K.
Identifiers: ClinVar variation 3806046 (VCV003806046.1).

ClinVar aggregate classification (germline): Uncertain significance (1 of 4 stars; one submission).

gnomAD v4.1: 2 of 1,614,076 alleles (0.00012%); highest among the groups gnomAD compares: Non-Finnish European, 0.00017%; no homozygotes.

Submission:

Ambry Genetics
Classification: Uncertain significance. Last evaluated: 2025-02-09. Review status: criteria provided, single submitter. Criteria: Ambry Variant Classification Scheme 2023. Collection method: clinical testing. Allele origin: germline.
Comment: The p.Q743K variant (also known as c.2227C>A), located in coding exon 1 of the TET2 gene, results from a C to A substitution at nucleotide position 2227. The glutamine at codon 743 is replaced by lysine, an amino acid with similar properties. This amino acid position is conserved. In addition, this alteration is predicted to be tolerated by in silico analysis. Based on the available evidence, the clinical significance of this variant remains unclear.